The following is an entry in ClinVar:

NM_000168.6(GLI3):c.837C>A (p.Phe279Leu)

Gene: GLI3 (GLI family zinc finger 3; minus strand). Cytogenetic location: 7p14.1.
Variant type: single nucleotide variant.
Coding change: c.837C>A on transcript NM_000168.6 (MANE Select); coding-DNA position 837, C replaced by A.
Protein change: p.Phe279Leu; replaces phenylalanine 279 with leucine.
Molecular consequence: missense variant.
Genome position (GRCh38, 1-based): chr7:42,040,229, G>T on the plus strand (C>A on the coding strand, the complement: GLI3 is on the minus strand). VCF-style: chr7-42040229-G-T. GRCh37 (hg19) VCF-style: chr7-42079828-G-T.
Other names: short protein forms F279L.
Identifiers: ClinVar variation 2657414 (VCV002657414.24), dbSNP rs2484693647, ClinGen allele CA367329803.

ClinVar aggregate classification (germline): Uncertain significance (1 of 4 stars; one submission).

Submission:

CeGaT Center for Human Genetics Tuebingen
Classification: Uncertain significance. Last evaluated: 2022-03-01. Review status: criteria provided, single submitter. Criteria: CeGaT Center For Human Genetics Tuebingen Variant Classification Criteria Version 2. Collection method: clinical testing. Allele origin: germline. Affected: yes. Observed: 1 variant allele.
Comment: GLI3: PM2